The following is an entry in ClinVar:

ClinVar aggregate classification (germline): Uncertain significance (1 of 4 stars; one submission).

Allele frequency attached by ClinVar (database versions not stated): TOPMed below 0.00001; gnomAD 0.00001.
gnomAD v4.1: 1 of 1,517,090 alleles (0.000066%); highest among the groups gnomAD compares: African/African-American, 0.0014%; no homozygotes.

Submission:

Labcorp Genetics (formerly Invitae), Labcorp
Classification: Uncertain significance. Last evaluated: 2023-04-11. Review status: criteria provided, single submitter. Criteria: Invitae Variant Classification Sherloc (09022015). Collection method: clinical testing. Allele origin: germline.
Comment: ClinVar contains an entry for this variant (Variation ID: 2116881). Advanced modeling of protein sequence and biophysical properties (such as structural, functional, and spatial information, amino acid conservation, physicochemical variation, residue mobility, and thermodynamic stability) performed at Invitae indicates that this missense variant is not expected to disrupt KCNH1 protein function. In summary, the available evidence is currently insufficient to determine the role of this variant in disease. Therefore, it has been classified as a Variant of Uncertain Significance. This variant has not been reported in the literature in individuals affected with KCNH1-related conditions. This sequence change replaces lysine, which is basic and polar, with glutamine, which is neutral and polar, at codon 722 of the KCNH1 protein (p.Lys722Gln). This variant is not present in population databases (gnomAD no frequency).

NM_172362.3(KCNH1):c.2164A>C (p.Lys722Gln)

Gene: KCNH1 (potassium voltage-gated channel subfamily H member 1; minus strand). Cytogenetic location: 1q32.2.
Variant type: single nucleotide variant.
Coding change: c.2164A>C on transcript NM_172362.3 (MANE Select); coding-DNA position 2164, A replaced by C.
Protein change: p.Lys722Gln; replaces lysine 722 with glutamine.
Molecular consequence: missense variant.
Genome position (GRCh38, 1-based): chr1:210,684,087, T>G on the plus strand (A>C on the coding strand, the complement: KCNH1 is on the minus strand). VCF-style: chr1-210684087-T-G. GRCh37 (hg19) VCF-style: chr1-210857429-T-G.
Other names: c.2083A>C, p.Lys695Gln (NM_002238.4); short protein forms K695Q, K722Q.
Identifiers: ClinVar variation 2116881 (VCV002116881.4), dbSNP rs1455495870, ClinGen allele CA344871737.